The following is an entry in ClinVar:

ClinVar aggregate classification (germline): Uncertain significance (1 of 4 stars; one submission).

Conditions:
Inborn genetic diseases. Identifiers: MedGen C0950123, MeSH D030342.

gnomAD v4.1: 2 of 1,613,178 alleles (0.00012%); highest among the groups gnomAD compares: African/African-American, 0.0027%; no homozygotes.

Submission:

Ambry Genetics
Classification: Uncertain significance for Inborn genetic diseases. Last evaluated: 2025-03-11. Review status: criteria provided, single submitter. Criteria: Ambry Variant Classification Scheme 2023. Collection method: clinical testing. Allele origin: germline.
Comment: The p.G366R variant (also known as c.1096G>C), located in coding exon 10 of the ANKRD26 gene, results from a G to C substitution at nucleotide position 1096. The glycine at codon 366 is replaced by arginine, an amino acid with dissimilar properties. This amino acid position is conserved. In addition, this alteration is predicted to be tolerated by in silico analysis. Based on the available evidence, the clinical significance of this variant remains unclear.

NM_014915.3(ANKRD26):c.1096G>C (p.Gly366Arg)

Gene: ANKRD26 (ankyrin repeat domain containing 26; minus strand). Cytogenetic location: 10p12.1.
Variant type: single nucleotide variant.
Coding change: c.1096G>C on transcript NM_014915.3 (MANE Select); coding-DNA position 1096, G replaced by C.
Protein change: p.Gly366Arg; replaces glycine 366 with arginine.
Molecular consequence: missense variant.
Genome position (GRCh38, 1-based): chr10:27,067,268, C>G on the plus strand (G>C on the coding strand, the complement: ANKRD26 is on the minus strand). VCF-style: chr10-27067268-C-G. GRCh37 (hg19) VCF-style: chr10-27356197-C-G.
Other names: c.1096G>C, p.Gly366Arg (NM_001256053.2); short protein forms G366R.
Identifiers: ClinVar variation 3872200 (VCV003872200.1).